The following is an entry in ClinVar:

ClinVar aggregate classification (germline): Uncertain significance (1 of 4 stars; one submission).

gnomAD v4.1: 2 of 1,613,486 alleles (0.00012%); highest among the groups gnomAD compares: Non-Finnish European, 0.00017%; no homozygotes.

Submission:

Labcorp Genetics (formerly Invitae), Labcorp
Classification: Uncertain significance. Last evaluated: 2024-06-06. Review status: criteria provided, single submitter. Criteria: Invitae Variant Classification Sherloc (09022015). Collection method: clinical testing. Allele origin: germline.
Comment: This sequence change replaces glycine, which is neutral and non-polar, with valine, which is neutral and non-polar, at codon 4447 of the ADGRV1 protein (p.Gly4447Val). This variant is not present in population databases (gnomAD no frequency). This variant has not been reported in the literature in individuals affected with ADGRV1-related conditions. ClinVar contains an entry for this variant (Variation ID: 2109553). Advanced modeling of protein sequence and biophysical properties (such as structural, functional, and spatial information, amino acid conservation, physicochemical variation, residue mobility, and thermodynamic stability) performed at Invitae indicates that this missense variant is not expected to disrupt ADGRV1 protein function with a negative predictive value of 80%. In summary, the available evidence is currently insufficient to determine the role of this variant in disease. Therefore, it has been classified as a Variant of Uncertain Significance.

NM_032119.4(ADGRV1):c.13340G>T (p.Gly4447Val)

Gene: ADGRV1 (adhesion G protein-coupled receptor V1; plus strand). Cytogenetic location: 5q14.3.
Variant type: single nucleotide variant.
Coding change: c.13340G>T on transcript NM_032119.4 (MANE Select); coding-DNA position 13340, G replaced by T.
Protein change: p.Gly4447Val; replaces glycine 4447 with valine.
Molecular consequence: missense variant. On other transcripts: non-coding transcript variant (1).
Genome position (GRCh38, 1-based): chr5:90,783,232, G>T. VCF-style: chr5-90783232-G-T. GRCh37 (hg19) VCF-style: chr5-90079049-G-T.
Other names: short protein forms G4447V.
Identifiers: ClinVar variation 2109553 (VCV002109553.4), dbSNP rs532839486, ClinGen allele CA360394017.